The following is an entry in ClinVar:

NM_001170700.3(DTHD1):c.1491T>G (p.Ile497Met)

Gene: DTHD1 (death domain containing 1; plus strand). Cytogenetic location: 4p14.
Variant type: single nucleotide variant.
Coding change: c.1491T>G on transcript NM_001170700.3 (MANE Select); coding-DNA position 1491, T replaced by G.
Protein change: p.Ile497Met; replaces isoleucine 497 with methionine.
Molecular consequence: missense variant. On other transcripts: non-coding transcript variant (2).
Genome position (GRCh38, 1-based): chr4:36,294,887, T>G. VCF-style: chr4-36294887-T-G. GRCh37 (hg19) VCF-style: chr4-36296509-T-G.
Other names: c.621T>G, p.Ile207Met (NM_001136536.5); c.558T>G, p.Ile186Met (NM_001378435.1); short protein forms I186M, I207M, I497M.
Identifiers: ClinVar variation 4748829 (VCV004748829.1).

ClinVar aggregate classification (germline): Uncertain significance (1 of 4 stars; one submission).

Submission:

Labcorp Genetics (formerly Invitae), Labcorp
Classification: Uncertain significance. Last evaluated: 2025-12-25. Review status: criteria provided, single submitter. Criteria: Invitae Variant Classification Sherloc (09022015). Collection method: clinical testing. Allele origin: germline.
Comment: This sequence change replaces isoleucine, which is neutral and non-polar, with methionine, which is neutral and non-polar, at codon 207 of the DTHD1 protein (p.Ile207Met). This variant is not present in population databases (gnomAD no frequency). This variant has not been reported in the literature in individuals affected with DTHD1-related conditions. An algorithm developed to predict the effect of missense changes on protein structure and function (PolyPhen-2) suggests that this variant is likely to be tolerated. In summary, the available evidence is currently insufficient to determine the role of this variant in disease. Therefore, it has been classified as a Variant of Uncertain Significance.